The following is an entry in ClinVar:

NM_000138.5(FBN1):c.3844A>G (p.Asn1282Asp)

Gene: FBN1 (fibrillin 1; minus strand). Cytogenetic location: 15q21.1.
Variant type: single nucleotide variant.
Coding change: c.3844A>G on transcript NM_000138.5 (MANE Select); coding-DNA position 3844, A replaced by G.
Protein change: p.Asn1282Asp; replaces asparagine 1282 with aspartic acid.
Molecular consequence: missense variant.
Genome position (GRCh38, 1-based): chr15:48,481,775, T>C on the plus strand (A>G on the coding strand, the complement: FBN1 is on the minus strand). VCF-style: chr15-48481775-T-C. GRCh37 (hg19) VCF-style: chr15-48773972-T-C.
Other names: c.3844A>G, p.Asn1282Asp (NM_001406716.1); short protein forms N1282D.
Identifiers: ClinVar variation 3894123 (VCV003894123.1).

ClinVar aggregate classification (germline): Uncertain significance (1 of 4 stars; one submission).

Conditions:
Familial thoracic aortic aneurysm and aortic dissection (TAAD). Also called: Thoracic aortic aneurysms and dissections. Identifiers: Orphanet 91387, MedGen C4707243, MONDO:0019625.

Submission:

Color Diagnostics, LLC DBA Color Health
Classification: Uncertain significance for Familial thoracic aortic aneurysm and aortic dissection. Last evaluated: 2024-10-07. Review status: criteria provided, single submitter. Criteria: ACMG Guidelines, 2015. Collection method: clinical testing. Allele origin: germline.
Comment: This missense variant replaces asparagine with aspartic acid at codon 1282 of the FBN1 protein. Computational prediction suggests that this variant may not impact protein structure and function (internally defined REVEL score threshold <= 0.5, PMID: 27666373). To our knowledge, functional studies have not been reported for this variant. This variant has not been reported in individuals affected with FBN1-related disorders in the literature. This variant has not been identified in the general population by the Genome Aggregation Database (gnomAD). The available evidence is insufficient to determine the role of this variant in disease conclusively. Therefore, this variant is classified as a Variant of Uncertain Significance.